The following is an entry in ClinVar:

NM_004629.2(FANCG):c.41A>G (p.Asp14Gly)

Gene: FANCG (FA complementation group G; minus strand). Cytogenetic location: 9p13.3.
Variant type: single nucleotide variant.
Coding change: c.41A>G on transcript NM_004629.2 (MANE Select); coding-DNA position 41, A replaced by G.
Protein change: p.Asp14Gly; replaces aspartic acid 14 with glycine.
Molecular consequence: missense variant.
Genome position (GRCh38, 1-based): chr9:35,079,484, T>C on the plus strand (A>G on the coding strand, the complement: FANCG is on the minus strand). VCF-style: chr9-35079484-T-C. GRCh37 (hg19) VCF-style: chr9-35079481-T-C.
Other names: short protein forms D14G.
Identifiers: ClinVar variation 5036546 (VCV005036546.1).

ClinVar aggregate classification (germline): Uncertain significance (1 of 4 stars; one submission).

Conditions:
Inborn genetic diseases. Identifiers: MedGen C0950123, MeSH D030342.

gnomAD v4.1: 1 of 1,613,904 alleles (0.000062%); highest among the groups gnomAD compares: African/African-American, 0.0013%; no homozygotes.

Submission:

Ambry Genetics
Classification: Uncertain significance for Inborn genetic diseases. Last evaluated: 2026-09-11. Review status: criteria provided, single submitter. Criteria: Ambry Variant Classification Scheme 2023. Collection method: clinical testing. Allele origin: germline.
Comment: The p.D14G variant (also known as c.41A>G), located in coding exon 1 of the FANCG gene, results from an A to G substitution at nucleotide position 41. The aspartic acid at codon 14 is replaced by glycine, an amino acid with similar properties. This amino acid position is conserved. In addition, the in silico prediction for this alteration is inconclusive. Based on the available evidence, the clinical significance of this variant remains unclear.